The following is an entry in ClinVar:

ClinVar aggregate classification (germline): Likely benign (1 of 4 stars; one submission).

Allele frequency attached by ClinVar (database versions not stated): 1000 Genomes Project 0.00080; 1000 Genomes Project 30x 0.00109; ExAC 0.00125; gnomAD 0.00143; TOPMed 0.00167; ESP Exome Variant Server 0.00177; gnomAD exomes 0.00192.
gnomAD v4.1: 2,998 of 1,613,650 alleles (0.19%); highest among the groups gnomAD compares: Admixed American, 0.24%; 2 homozygotes.

Submission:

CeGaT Center for Human Genetics Tuebingen
Classification: Likely benign. Last evaluated: 2025-09-01. Review status: criteria provided, single submitter. Criteria: CeGaT Center For Human Genetics Tuebingen Variant Classification Criteria Version 2. Collection method: clinical testing. Allele origin: germline. Affected: yes. Observed: 7 variant alleles.
Comment: FBXW11: BP4, BP7, BS1

NM_001378974.1(FBXW11):c.1662C>G (p.Pro554=)

Gene: FBXW11 (F-box and WD repeat domain containing 11; minus strand). Cytogenetic location: 5q35.1.
Variant type: single nucleotide variant.
Coding change: c.1662C>G on transcript NM_001378974.1 (MANE Select); coding-DNA position 1662, C replaced by G.
Protein change: p.Pro554=; no amino-acid change (proline 554 retained).
Molecular consequence: synonymous variant.
Genome position (GRCh38, 1-based): chr5:171,868,665, G>C on the plus strand (C>G on the coding strand, the complement: FBXW11 is on the minus strand). VCF-style: chr5-171868665-G-C. GRCh37 (hg19) VCF-style: chr5-171295669-G-C.
Other names: c.1593C>G, p.Pro531= (NM_001378975.1); c.1566C>G, p.Pro522= (NM_001378976.1); c.1503C>G, p.Pro501= (NM_001378977.1, NM_001378978.1, NM_001378979.1); c.1497C>G, p.Pro499= (NM_001378980.1, NM_033645.3); c.1599C>G, p.Pro533= (NM_012300.3); c.1560C>G, p.Pro520= (NM_033644.3).
Identifiers: ClinVar variation 2656076 (VCV002656076.24), dbSNP rs61739670, ClinGen allele CA3559156.
Genomic context (GRCh38, chr5:171,868,665, plus strand): 5'-CTCACCTGAAACGGGTGAAAGTGCAGACTGTTATCTAGAGATGTAAGTGTATGTTCTGGA[G>C]GGAGAACGGGTCTCATTCTGGGCACTGGGAGGCACATTTAAGAAATCCCAAATCAAAATA-3'
Protein context (NP_001365903.1, residues 544-563): PPSAQNETRS[Pro554=]SRTYTYISR